The following is an entry in ClinVar:

ClinVar aggregate classification (germline): Uncertain significance. Review status: criteria provided, multiple submitters, no conflicts (2 of 4 stars). 2 submissions from 2 submitters: Uncertain significance (2). Last evaluated 2025-06-04.

Conditions:
Catecholaminergic polymorphic ventricular tachycardia (CVPT). Also called: Catecholamine-induced polymorphic ventricular tachycardia. Identifiers: Orphanet 3286, MedGen C5574922, MONDO:0017990.
Catecholaminergic polymorphic ventricular tachycardia 1. Also called: VENTRICULAR TACHYCARDIA, CATECHOLAMINERGIC POLYMORPHIC, 1, WITH OR WITHOUT ATRIAL DYSFUNCTION AND/OR DILATED CARDIOMYOPATHY; RYR2-Related Catecholaminergic Polymorphic Ventricular Tachycardia; VENTRICULAR TACHYCARDIA, STRESS-INDUCED POLYMORPHIC 1. Identifiers: Orphanet 3286, MedGen C1631597, MONDO:0011484, OMIM 604772.

Submissions (2):

Labcorp Genetics (formerly Invitae), Labcorp
Classification: Uncertain significance for Catecholaminergic polymorphic ventricular tachycardia 1. Last evaluated: 2025-06-04. Review status: criteria provided, single submitter. Criteria: Invitae Variant Classification Sherloc (09022015). Collection method: clinical testing. Allele origin: germline.
Comment: This sequence change replaces alanine, which is neutral and non-polar, with glutamic acid, which is acidic and polar, at codon 3065 of the RYR2 protein (p.Ala3065Glu). This variant is not present in population databases (gnomAD no frequency). This variant has not been reported in the literature in individuals affected with RYR2-related conditions. ClinVar contains an entry for this variant (Variation ID: 3072296). Invitae Evidence Modeling of protein sequence and biophysical properties (such as structural, functional, and spatial information, amino acid conservation, physicochemical variation, residue mobility, and thermodynamic stability) indicates that this missense variant is expected to disrupt RYR2 protein function with a positive predictive value of 95%. In summary, the available evidence is currently insufficient to determine the role of this variant in disease. Therefore, it has been classified as a Variant of Uncertain Significance.

All of Us Research Program, National Institutes of Health
Classification: Uncertain significance for Catecholaminergic polymorphic ventricular tachycardia. Last evaluated: 2023-08-15. Review status: criteria provided, single submitter. Criteria: ACMG Guidelines, 2015. Collection method: clinical testing. Allele origin: germline. Inheritance: Autosomal dominant inheritance. Observed: 1 variant allele, 1 heterozygote.
Comment: This study involves interpretation of variants in research participants for the purpose of population health screening. Participant phenotype was not available at the time of variant classification. Additional details can be found in publication PMID: 35346344, PMCID: PMC8962531

NM_001035.3(RYR2):c.9194C>A (p.Ala3065Glu)

Gene: RYR2 (ryanodine receptor 2; plus strand). Cytogenetic location: 1q43.
Variant type: single nucleotide variant.
Coding change: c.9194C>A on transcript NM_001035.3 (MANE Select); coding-DNA position 9194, C replaced by A.
Protein change: p.Ala3065Glu; replaces alanine 3065 with glutamic acid.
Molecular consequence: missense variant.
Genome position (GRCh38, 1-based): chr1:237,700,294, C>A. VCF-style: chr1-237700294-C-A. GRCh37 (hg19) VCF-style: chr1-237863594-C-A.
Other names: short protein forms A3065E.
Identifiers: ClinVar variation 3072296 (VCV003072296.2), dbSNP rs2547364683, ClinGen allele CA345405614.